The following is an entry in ClinVar:

NM_174936.4(PCSK9):c.923G>T (p.Gly308Val)

Gene: PCSK9 (proprotein convertase subtilisin/kexin type 9; plus strand). Cytogenetic location: 1p32.3.
Variant type: single nucleotide variant.
Coding change: c.923G>T on transcript NM_174936.4 (MANE Select); coding-DNA position 923, G replaced by T.
Protein change: p.Gly308Val; replaces glycine 308 with valine.
Molecular consequence: missense variant. On other transcripts: non-coding transcript variant (8).
Genome position (GRCh38, 1-based): chr1:55,056,116, G>T. VCF-style: chr1-55056116-G-T. GRCh37 (hg19) VCF-style: chr1-55521789-G-T.
Other names: c.1046G>T, p.Gly349Val (NM_001407240.1); c.923G>T, p.Gly308Val (NM_001407241.1, NM_001407244.1, NM_001407247.1); c.926G>T, p.Gly309Val (NM_001407242.1); c.866G>T, p.Gly289Val (NM_001407243.1); c.731G>T, p.Gly244Val (NM_001407245.1); c.548G>T, p.Gly183Val (NM_001407246.1); short protein forms G183V, G244V, G289V, G308V, G309V, G349V.
Identifiers: ClinVar variation 3893808 (VCV003893808.1).

ClinVar aggregate classification (germline): Uncertain significance (1 of 4 stars; one submission).

Conditions:
Familial hypercholesterolemia. Also called: Familial hypercholesterolaemia. Identifiers: MedGen C0020445, MONDO:0005439.

Submission:

Color Diagnostics, LLC DBA Color Health
Classification: Uncertain significance for Familial hypercholesterolemia. Last evaluated: 2024-05-31. Review status: criteria provided, single submitter. Criteria: ACMG Guidelines, 2015. Collection method: clinical testing. Allele origin: germline.
Comment: This missense variant replaces glycine with valine at codon 308 of the PCSK9 protein. Computational prediction suggests that this variant may have deleterious impact on protein structure and function (internally defined REVEL score threshold >= 0.7, PMID: 27666373). To our knowledge, functional studies have not been reported for this variant. This variant has not been reported in individuals affected with PCSK9-related disorders in the literature. This variant has not been identified in the general population by the Genome Aggregation Database (gnomAD). The available evidence is insufficient to determine the role of this variant in disease conclusively. Therefore, this variant is classified as a Variant of Uncertain Significance.